The following is an entry in ClinVar:

NM_000138.5(FBN1):c.6617-147G>A

Gene: FBN1 (fibrillin 1; minus strand). Cytogenetic location: 15q21.1.
Variant type: single nucleotide variant.
Coding change: c.6617-147G>A on transcript NM_000138.5 (MANE Select); 147 bases into the intron before coding-DNA position 6617, G replaced by A.
Molecular consequence: intron variant.
Genome position (GRCh38, 1-based): chr15:48,433,135, C>T on the plus strand (G>A on the coding strand, the complement: FBN1 is on the minus strand). VCF-style: chr15-48433135-C-T. GRCh37 (hg19) VCF-style: chr15-48725332-C-T.
Other names: c.6617-147G>A (NM_001406716.1).
Identifiers: ClinVar variation 3769620 (VCV003769620.2).

ClinVar aggregate classification (germline): Pathogenic. Review status: criteria provided, multiple submitters, no conflicts (2 of 4 stars). 2 submissions from 2 submitters: Pathogenic (2). Last evaluated 2026-10-30.

Conditions:
Marfan syndrome (MFS). Also called: Marfan syndrome type 1; Marfan's syndrome; MARFAN SYNDROME, TYPE I; FBN1-Related Marfan Syndrome; Marfan syndrome, classic. Identifiers: Orphanet 284963, Orphanet 558, MedGen C0024796, MONDO:0007947, OMIM 154700.

gnomAD v4.1: 1 of 803,378 alleles (0.00012%); highest among the groups gnomAD compares: Non-Finnish European, 0.0002%; no homozygotes.

Submissions (2):

Institute of Medical Genetics and Applied Genomics, University Hospital Tübingen
Classification: Pathogenic for Marfan syndrome. Last evaluated: 2026-10-30. Review status: criteria provided, single submitter. Criteria: ACMG Guidelines, 2015. Collection method: clinical testing. Allele origin: germline. Inheritance: Autosomal dominant inheritance. Affected: yes.

Clinical and Biomedical Sciences, University of Exeter
Classification: Pathogenic for Marfan syndrome. Last evaluated: 2025-02-28. Review status: criteria provided, single submitter. Criteria: ACMG Guidelines, 2015. Collection method: research. Allele origin: germline. Affected: yes. Study: 100,000 Genomes Project.
Comment: RT-PCR and Sanger sequencing from blood RNA shows 58bp pseudoexon, r.6616_6617ins6617-145_6617-88 which predicts p.(Asp2206GlyfsTer20) and is consistent with in silico prediction.